The following is an entry in ClinVar:

ClinVar aggregate classification (germline): Pathogenic/Likely pathogenic. Review status: criteria provided, multiple submitters, no conflicts (2 of 4 stars). 3 submissions from 3 submitters: Pathogenic (1); Likely pathogenic (2). Last evaluated 2024-12-01.

Conditions:
Focal segmental glomerulosclerosis 7 (FSGS7). Identifiers: Orphanet 656, MedGen C4014925, MONDO:0014451, OMIM 616002.
Renal coloboma syndrome (PAPRS). Also called: PAPILLORENAL SYNDROME; OPTIC COLOBOMA, VESICOURETERAL REFLUX, AND RENAL ANOMALIES; OPTIC NERVE COLOBOMA WITH RENAL DISEASE; RENAL-COLOBOMA SYNDROME WITH MACULAR ABNORMALITIES; COLOBOMA OF OPTIC NERVE WITH RENAL DISEASE; PAPILLORENAL SYNDROME WITH MILD OCULAR ABNORMALITIES. Identifiers: Orphanet 1475, MedGen C1852759, MONDO:0007352, OMIM 120330.

Submissions (3):

Department of Pediatrics, Seoul National University Bundang Hospital
Classification: Pathogenic for Renal coloboma syndrome. Last evaluated: 2024-12-01. Review status: criteria provided, single submitter. Criteria: ACMG Guidelines, 2015. Collection method: clinical testing. Allele origin: unknown. Inheritance: Autosomal dominant inheritance. Observed: 1 variant allele.
Comment: The p.Gln287ArgfsTer10 variant is a novel frameshift variant and is regarded as pathogenic (PVS1, PM2, PP5, according to ACMG criteria).

Fulgent Genetics
Classification: Likely pathogenic for Renal coloboma syndrome; Focal segmental glomerulosclerosis 7. Last evaluated: 2022-05-05. Review status: criteria provided, single submitter. Criteria: ACMG Guidelines, 2015. Collection method: clinical testing. Allele origin: unknown.

3billion
Classification: Likely pathogenic for Focal segmental glomerulosclerosis 7. Last evaluated: 2022-01-03. Review status: criteria provided, single submitter. Criteria: ACMG Guidelines, 2015. Collection method: clinical testing. Allele origin: germline. Affected: yes. Observed: 1 heterozygote.
Comment: Frameshift: predicted to result in a loss or disruption of normal protein function through nonsense-mediated decay (NMD) or protein truncation. Multiple pathogenic variants are reported downstream of the variant (PVS1_VS). It is not observed in the gnomAD v2.1.1 dataset (PM2_M). Therefore, this variant is classified as likely pathogenic according to the recommendation of ACMG/AMP guideline.

NM_000278.5(PAX2):c.791del (p.Gln264fs)

Gene: PAX2 (paired box 2; plus strand). Cytogenetic location: 10q24.31.
Variant type: Deletion.
Coding change: c.791del on transcript NM_000278.5 (MANE Select); coding-DNA position 791, one base deleted (A; older notation c.791delA).
Protein change: p.Gln264fs; shifts the reading frame from glutamine 264.
Molecular consequence: frameshift variant.
Genome position (GRCh38, 1-based): chr10:100,806,604, A deleted. VCF-style (leftmost placement, unchanged base first): chr10-100806603-CA-C. GRCh37 (hg19) VCF-style: chr10-102566360-CA-C.
Other names: c.884del, p.Gln295fs (NM_001304569.2); c.860del, p.Gln287fs (NM_003987.5, NM_003990.5); c.791del, p.Gln264fs (NM_003988.5, NM_003989.5); c.860delA (NM_003990.5); short protein forms Q264fs, Q287fs, Q295fs.
Identifiers: ClinVar variation 1333293 (VCV001333293.3), dbSNP rs2133950639, ClinGen allele CA2573053225.